The following is an entry in ClinVar:

NM_001384732.1(CPLANE1):c.4084G>A (p.Ala1362Thr)

Gene: CPLANE1 (ciliogenesis and planar polarity effector complex subunit 1; minus strand). Cytogenetic location: 5p13.2.
Variant type: single nucleotide variant.
Coding change: c.4084G>A on transcript NM_001384732.1 (MANE Select); coding-DNA position 4084, G replaced by A.
Protein change: p.Ala1362Thr; replaces alanine 1362 with threonine.
Molecular consequence: missense variant.
Genome position (GRCh38, 1-based): chr5:37,186,391, C>T on the plus strand (G>A on the coding strand, the complement: CPLANE1 is on the minus strand). VCF-style: chr5-37186391-C-T. GRCh37 (hg19) VCF-style: chr5-37186493-C-T.
Other names: c.4084G>A, p.Ala1362Thr (NM_023073.4); short protein forms A1362T.
Identifiers: ClinVar variation 1900869 (VCV001900869.3), dbSNP rs1783997567, ClinGen allele CA359503740.

ClinVar aggregate classification (germline): Uncertain significance (1 of 4 stars; one submission).

Allele frequency attached by ClinVar (database versions not stated): gnomAD exomes below 0.00001; gnomAD 0.00001.
gnomAD v4.1: 4 of 1,507,206 alleles (0.00027%); highest among the groups gnomAD compares: African/African-American, 0.0014%; no homozygotes.

Submission:

Labcorp Genetics (formerly Invitae), Labcorp
Classification: Uncertain significance. Last evaluated: 2022-06-10. Review status: criteria provided, single submitter. Criteria: Invitae Variant Classification Sherloc (09022015). Collection method: clinical testing. Allele origin: germline.
Comment: This sequence change replaces alanine, which is neutral and non-polar, with threonine, which is neutral and polar, at codon 1362 of the CPLANE1 protein (p.Ala1362Thr). In summary, the available evidence is currently insufficient to determine the role of this variant in disease. Therefore, it has been classified as a Variant of Uncertain Significance. Algorithms developed to predict the effect of sequence changes on RNA splicing suggest that this variant may disrupt the consensus splice site. Advanced modeling of protein sequence and biophysical properties (such as structural, functional, and spatial information, amino acid conservation, physicochemical variation, residue mobility, and thermodynamic stability) performed at Invitae indicates that this missense variant is expected to disrupt CPLANE1 protein function. This variant has not been reported in the literature in individuals affected with CPLANE1-related conditions. This variant is not present in population databases (gnomAD no frequency).